The following is an entry in ClinVar:

ClinVar aggregate classification (germline): Uncertain significance (1 of 4 stars; one submission).

Conditions:
Hereditary cancer-predisposing syndrome. Also called: Neoplastic Syndromes, Hereditary; Tumor predisposition; Hereditary Cancer Syndrome; Hereditary neoplastic syndrome. Identifiers: Orphanet 140162, MedGen C0027672, MeSH D009386, MONDO:0015356.

Submission:

Ambry Genetics
Classification: Uncertain significance for Hereditary cancer-predisposing syndrome. Last evaluated: 2026-03-11. Review status: criteria provided, single submitter. Criteria: Ambry Variant Classification Scheme 2023. Collection method: clinical testing. Allele origin: germline.
Comment: The p.P1059L variant (also known as c.3176C>T), located in coding exon 15 of the BLM gene, results from a C to T substitution at nucleotide position 3176. The proline at codon 1059 is replaced by leucine, an amino acid with similar properties. This amino acid position is conserved. In addition, this alteration is predicted to be tolerated by in silico analysis. Based on the available evidence, the clinical significance of this variant remains unclear.

NM_000057.4(BLM):c.3176C>T (p.Pro1059Leu)

Gene: BLM (BLM RecQ like helicase; plus strand). Cytogenetic location: 15q26.1.
Variant type: single nucleotide variant.
Coding change: c.3176C>T on transcript NM_000057.4 (MANE Select); coding-DNA position 3176, C replaced by T.
Protein change: p.Pro1059Leu; replaces proline 1059 with leucine.
Molecular consequence: missense variant.
Genome position (GRCh38, 1-based): chr15:90,794,323, C>T. VCF-style: chr15-90794323-C-T. GRCh37 (hg19) VCF-style: chr15-91337553-C-T.
Other names: c.3176C>T, p.Pro1059Leu (NM_001287246.2, NM_001287247.2); c.2051C>T, p.Pro684Leu (NM_001287248.2); short protein forms P684L, P1059L.
Identifiers: ClinVar variation 4827209 (VCV004827209.1).